The following is an entry in ClinVar:

ClinVar aggregate classification (germline): Pathogenic (1 of 4 stars; one submission).

Conditions:
Oligospermia. Identifiers: MedGen C0028960, MeSH D009845, MONDO:0001913.
Reduced sperm motility. Also called: asthenozoospermia. Identifiers: MedGen C4082176, HP:0012207.
Abnormal sperm morphology. Also called: Teratozoospermia. Identifiers: MedGen C0403824, HP:0012864.

gnomAD v4.1: 16 of 1,612,858 alleles (0.00099%); highest among the groups gnomAD compares: East Asian, 0.018%; no homozygotes.

Submission:

Huzhibin Lab, Nanjing Medical University
Classification: Pathogenic for Oligozoospermia; Reduced sperm motility; Abnormal sperm morphology. Review status: criteria provided, single submitter. Criteria: ACMG Guidelines, 2015. Collection method: research. Allele origin: germline. Inheritance: Autosomal recessive inheritance. Affected: yes. Observed: 1 variant allele, 1 homozygote.
Comment: Criteria:PVS1,PS4 This gene is a known causative gene for teratozoospermia, and male knockout mice of this gene have been shown to have a teratospermic phenotype and be infertile in males. Here, we find a rare homozygous variant in this gene that was not found in the control population.

Literature cited by the submitters: PubMed 34237282.

NM_001372106.1(DNAH10):c.3904C>T (p.Arg1302Ter)

Gene: DNAH10 (dynein axonemal heavy chain 10; plus strand). Cytogenetic location: 12q24.31.
Variant type: single nucleotide variant.
Coding change: c.3904C>T on transcript NM_001372106.1 (MANE Select); coding-DNA position 3904, C replaced by T.
Protein change: p.Arg1302Ter; replaces arginine 1302 with a stop codon.
Molecular consequence: nonsense.
Genome position (GRCh38, 1-based): chr12:123,819,154, C>T. VCF-style: chr12-123819154-C-T. GRCh37 (hg19) VCF-style: chr12-124303701-C-T.
Other names: c.3550C>T, p.Arg1184Ter (NM_001083900.1, NM_207437.3); short protein forms R1184*, R1302*.
Identifiers: ClinVar variation 3239654 (VCV003239654.2).